The following is an entry in ClinVar:

ClinVar aggregate classification (germline): Pathogenic (1 of 4 stars; one submission).

Conditions:
Bethlem myopathy 1A. Also called: MYOPATHY, BENIGN CONGENITAL, WITH CONTRACTURES; Bethlem myopathy 1; Bethlem Muscular Dystrophy. Identifiers: Orphanet 610, MedGen CN029274, MONDO:0024530, OMIM 158810.

Submission:

Labcorp Genetics (formerly Invitae), Labcorp
Classification: Pathogenic for Bethlem myopathy 1A. Last evaluated: 2022-10-26. Review status: criteria provided, single submitter. Criteria: Invitae Variant Classification Sherloc (09022015). Collection method: clinical testing. Allele origin: germline.
Comment: This sequence change creates a premature translational stop signal (p.Glu60Valfs*4) in the COL6A3 gene. It is expected to result in an absent or disrupted protein product. Loss-of-function variants in COL6A3 are known to be pathogenic (PMID: 26004199). For these reasons, this variant has been classified as Pathogenic. This variant has not been reported in the literature in individuals affected with COL6A3-related conditions. This variant is not present in population databases (gnomAD no frequency).

Literature cited by the submitters: PubMed 26004199.

NM_004369.4(COL6A3):c.179_180del (p.Glu60fs)

Gene: COL6A3 (collagen type VI alpha 3 chain; minus strand). Cytogenetic location: 2q37.3.
Variant type: Microsatellite.
Coding change: c.179_180del on transcript NM_004369.4 (MANE Select); coding-DNA positions 179 to 180, 2 bases deleted (AG; older notation c.179_180delAG).
Protein change: p.Glu60fs; shifts the reading frame from glutamic acid 60.
Molecular consequence: frameshift variant. On other transcripts: intron variant (4).
Genome position (GRCh38, 1-based): chr2:237,395,116-237,395,117, CT deleted on the plus strand (AG on the coding strand, the reverse complement: COL6A3 is on the minus strand); deleting any 2 consecutive bases within chr2:237,395,116-237,395,120 gives the same sequence; the c. name uses the placement nearest the transcript's 3' end. VCF-style (leftmost placement, unchanged base first): chr2-237395115-ACT-A. GRCh37 (hg19) VCF-style: chr2-238303758-ACT-A.
Other names: c.91+1610_91+1611del (NM_057166.5, NM_057167.4, NM_057164.5 and 1 more transcripts); short protein forms E60fs.
Identifiers: ClinVar variation 2021376 (VCV002021376.4), dbSNP rs2469975035, ClinGen allele CA2580614117.